The following is an entry in ClinVar:

ClinVar aggregate classification (germline): Uncertain significance. Review status: criteria provided, multiple submitters, no conflicts (2 of 4 stars). 2 submissions from 2 submitters: Uncertain significance (2). Last evaluated 2026-01-06.

gnomAD v4.1: 56 of 1,612,688 alleles (0.0035%); highest among the groups gnomAD compares: Admixed American, 0.0067%; no homozygotes.

Submissions (2):

Women's Health and Genetics/Laboratory Corporation of America, LabCorp
Classification: Uncertain significance. Last evaluated: 2026-01-06. Review status: criteria provided, single submitter. Criteria: LabCorp Variant Classification Summary - May 2015. Collection method: clinical testing. Allele origin: germline.
Comment: Variant summary: TNXB c.6902C>T (p.Pro2301Leu) results in a non-conservative amino acid change in the encoded protein sequence. Algorithms developed to predict the effect of missense changes on protein structure and function are either unavailable or do not agree on the potential impact of this missense change. The variant allele was found at a frequency of 2.9e-05 in 245538 control chromosomes. The available data on variant occurrences in the general population are insufficient to allow any conclusion about variant significance. To our knowledge, no occurrence of c.6902C>T in individuals affected with TNXB-related conditions and no experimental evidence demonstrating its impact on protein function have been reported. ClinVar contains an entry for this variant (Variation ID: 1329636). Based on the evidence outlined above, the variant was classified as uncertain significance.

GeneDx
Classification: Uncertain significance. Last evaluated: 2021-06-21. Review status: criteria provided, single submitter. Criteria: GeneDx Variant Classification Process June 2021. Collection method: clinical testing. Allele origin: germline. Affected: yes.
Comment: Has not been previously published as pathogenic or benign to our knowledge; In silico analysis supports that this missense variant has a deleterious effect on protein structure/function; This variant is associated with the following publications: (PMID: 27535533)

NM_001365276.2(TNXB):c.6902C>T (p.Pro2301Leu)

Gene: TNXB (tenascin XB; minus strand). Cytogenetic location: 6p21.33.
Variant type: single nucleotide variant.
Coding change: c.6902C>T on transcript NM_001365276.2 (MANE Select); coding-DNA position 6902, C replaced by T.
Protein change: p.Pro2301Leu; replaces proline 2301 with leucine.
Molecular consequence: missense variant.
Genome position (GRCh38, 1-based): chr6:32,062,423, G>A on the plus strand (C>T on the coding strand, the complement: TNXB is on the minus strand). VCF-style: chr6-32062423-G-A. GRCh37 (hg19) VCF-style: chr6-32030200-G-A.
Other names: c.6902C>T, p.Pro2301Leu (NM_019105.8); short protein forms P2301L.
Identifiers: ClinVar variation 1329636 (VCV001329636.3), dbSNP rs2269428, ClinGen allele CA3734303.